The following is an entry in ClinVar:

ClinVar aggregate classification (germline): Uncertain significance (1 of 4 stars; one submission).

Conditions:
Polycystic kidney disease, adult type (PKD1). Also called: Polycystic Kidney, Autosomal Dominant; POLYCYSTIC KIDNEY DISEASE, ADULT, TYPE I; Polycystic Kidney Disease 1, Autosomal Dominant; Polycystic kidney disease 1; Polycystic kidney disease 1, severe; POLYCYSTIC KIDNEY DISEASE 1 WITH OR WITHOUT POLYCYSTIC LIVER DISEASE. Identifiers: MedGen C3149841, MONDO:0008263, OMIM 173900.

Submission:

Juno Genomics, Hangzhou Juno Genomics, Inc
Classification: Uncertain significance for Polycystic kidney disease, adult type. Review status: criteria provided, single submitter. Criteria: ACMG Guidelines, 2015. Collection method: clinical testing. Allele origin: germline. Affected: yes.
Comment: Absent from controls (or at extremely low frequency if recessive) in Genome Aggregation Database, Exome Sequencing Project, 1000 Genomes Project, or Exome Aggregation Consortium.;The prevalence of the variant in affected individuals is significantly increased compared to the prevalence in controls.;Patient's phenotype or family history is highly specific for a disease with a single genetic etiology.

NM_001009944.3(PKD1):c.8471A>C (p.Gln2824Pro)

Gene: PKD1 (polycystin 1, transient receptor potential channel interacting; minus strand). Cytogenetic location: 16p13.3.
Variant type: single nucleotide variant.
Coding change: c.8471A>C on transcript NM_001009944.3 (MANE Select); coding-DNA position 8471, A replaced by C.
Protein change: p.Gln2824Pro; replaces glutamine 2824 with proline.
Molecular consequence: missense variant.
Genome position (GRCh38, 1-based): chr16:2,103,586, T>G on the plus strand (A>C on the coding strand, the complement: PKD1 is on the minus strand). VCF-style: chr16-2103586-T-G. GRCh37 (hg19) VCF-style: chr16-2153587-T-G.
Other names: c.8471A>C, p.Gln2824Pro (NM_000296.4); short protein forms Q2824P.
Identifiers: ClinVar variation 4531217 (VCV004531217.1).